The following is an entry in ClinVar:

NM_000059.4(BRCA2):c.7870T>C (p.Tyr2624His)

Gene: BRCA2 (BRCA2 DNA repair associated; plus strand). Cytogenetic location: 13q13.1.
Variant type: single nucleotide variant.
Coding change: c.7870T>C on transcript NM_000059.4 (MANE Select); coding-DNA position 7870, T replaced by C.
Protein change: p.Tyr2624His; replaces tyrosine 2624 with histidine.
Molecular consequence: missense variant.
Genome position (GRCh38, 1-based): chr13:32,362,587, T>C. VCF-style: chr13-32362587-T-C. GRCh37 (hg19) VCF-style: chr13-32936724-T-C.
Other names: c.7774T>C, p.Tyr2592His (NM_001406719.1); c.7870T>C, p.Tyr2624His (NM_001406720.1); c.2938T>C, p.Tyr980His (NM_001406721.1); c.1453T>C, p.Tyr485His (NM_001406722.1); short protein forms Y2592H, Y980H, Y2624H, Y485H.
Identifiers: ClinVar variation 2126575 (VCV002126575.5), dbSNP rs1161235543, ClinGen allele CA387747090.
Genomic context (GRCh38, chr13:32,362,587, plus strand): 5'-CTGTGTGACACTCCAGGTGTGGATCCAAAGCTTATTTCTAGAATTTGGGTTTATAATCAC[T>C]ATAGATGGATCATATGGAAACTGGCAGCTATGGAATGTGCCTTTCCTAAGGAATTTGCTA-3'
Protein context (NP_000050.3, residues 2614-2634): LISRIWVYNH[Tyr2624His]RWIIWKLAAM

ClinVar aggregate classification (germline): Uncertain significance. Review status: criteria provided, multiple submitters, no conflicts (2 of 4 stars). 2 submissions from 2 submitters: Uncertain significance (2). Last evaluated 2025-10-03.

Conditions:
Hereditary breast ovarian cancer syndrome. Also called: Hereditary breast and ovarian cancer syndrome; BRCA1- and BRCA2-Associated Hereditary Breast and Ovarian Cancer; Hereditary breast and ovarian cancer syndrome (HBOC); Hereditary breast and/or ovarian cancer syndrome; Hereditary breast and ovarian cancer; Breast and ovarian cancer. Identifiers: Orphanet 145, MedGen C0677776, MeSH D061325, MONDO:0003582. Disease mechanism: loss of function.

Submissions (2):

Quest Diagnostics Nichols Institute San Juan Capistrano
Classification: Uncertain significance. Last evaluated: 2025-10-03. Review status: criteria provided, single submitter. Criteria: Quest Diagnostics criteria. Collection method: clinical testing. Allele origin: unknown.
Comment: The BRCA2 c.7870T>C (p.Tyr2624His) variant has been reported in the published literature in a breast cancer case and no reportedly unaffected individuals in a large scale breast cancer association study (PMID: 33471991 (2021), see also LOVD). Publications of a functional study indicate that this variant is damaging to homology-directed DNA repair (HDR) (PMID: 33609447 (2021), 29884841 (2019)). In addition, this variant showed damaging effects in a saturation genome editing assay measuring DNA repair-dependent cell survival (PMID: 39779848 (2025)). This variant has not been reported in large, multi-ethnic general populations (Genome Aggregation Database). Analysis of this variant using bioinformatics tools for the prediction of the effect of amino acid changes on protein structure and function yielded predictions that this variant is damaging. Based on the available information, we are unable to determine the clinical significance of this variant.

Labcorp Genetics (formerly Invitae), Labcorp
Classification: Uncertain significance for Hereditary breast ovarian cancer syndrome. Last evaluated: 2022-05-11. Review status: criteria provided, single submitter. Criteria: Invitae Variant Classification Sherloc (09022015). Collection method: clinical testing. Allele origin: germline.
Comment: In summary, the available evidence is currently insufficient to determine the role of this variant in disease. Therefore, it has been classified as a Variant of Uncertain Significance. Experimental studies have shown that this missense change affects BRCA2 function (PMID: 29884841, 33609447). Advanced modeling of experimental studies (such as gene expression, population dynamics, functional pathways, and cell-cycle effects in cell culture) performed at Invitae indicates that this missense variant is expected to disrupt BRCA2 protein function. This variant has not been reported in the literature in individuals affected with BRCA2-related conditions. This variant is not present in population databases (gnomAD no frequency). This sequence change replaces tyrosine, which is neutral and polar, with histidine, which is basic and polar, at codon 2624 of the BRCA2 protein (p.Tyr2624His).

Literature cited by the submitters: PubMed 29884841 (cited by Quest Diagnostics Nichols Institute San Juan Capistrano and Labcorp Genetics (formerly Invitae), Labcorp); PubMed 33609447 (cited by Quest Diagnostics Nichols Institute San Juan Capistrano and Labcorp Genetics (formerly Invitae), Labcorp); PubMed 39779848 (cited by Quest Diagnostics Nichols Institute San Juan Capistrano); PubMed 35979650 (cited by Quest Diagnostics Nichols Institute San Juan Capistrano); PubMed 35665744 (cited by Quest Diagnostics Nichols Institute San Juan Capistrano); PubMed 33471991 (cited by Quest Diagnostics Nichols Institute San Juan Capistrano).